The following is an entry in ClinVar:

ClinVar aggregate classification (germline): Uncertain significance. Review status: criteria provided, multiple submitters, no conflicts (2 of 4 stars). 2 submissions from 2 submitters: Uncertain significance (2). Last evaluated 2025-10-01.

Conditions:
Charcot-Marie-Tooth disease type 2. Also called: Charcot-Marie-Tooth type 2. Identifiers: Orphanet 64746, MedGen C0270914, MONDO:0018993.

Allele frequency attached by ClinVar (database versions not stated): gnomAD exomes below 0.00001 and 0.00002; gnomAD 0.00001; TOPMed 0.00001.
gnomAD v4.1: 5 of 1,613,872 alleles (0.00031%); highest among the groups gnomAD compares: African/African-American, 0.0013%; no homozygotes.

Submissions (2):

Labcorp Genetics (formerly Invitae), Labcorp
Classification: Uncertain significance for Charcot-Marie-Tooth disease type 2. Last evaluated: 2025-10-01. Review status: criteria provided, single submitter. Criteria: Invitae Variant Classification Sherloc (09022015). Collection method: clinical testing. Allele origin: germline.
Comment: This sequence change replaces arginine, which is basic and polar, with cysteine, which is neutral and slightly polar, at codon 1762 of the KIF1B protein (p.Arg1762Cys). This variant is present in population databases (no rsID available, gnomAD 0.007%). This variant has not been reported in the literature in individuals affected with KIF1B-related conditions. ClinVar contains an entry for this variant (Variation ID: 408311). An algorithm developed to predict the effect of missense changes on protein structure and function (PolyPhen-2) suggests that this variant is likely to be disruptive. In summary, the available evidence is currently insufficient to determine the role of this variant in disease. Therefore, it has been classified as a Variant of Uncertain Significance.

Ambry Genetics
Classification: Uncertain significance. Last evaluated: 2025-04-22. Review status: criteria provided, single submitter. Criteria: Ambry Variant Classification Scheme 2023. Collection method: clinical testing. Allele origin: germline.
Comment: The p.R1762C variant (also known as c.5284C>T), located in coding exon 46 of the KIF1B gene, results from a C to T substitution at nucleotide position 5284. The arginine at codon 1762 is replaced by cysteine, an amino acid with highly dissimilar properties. This amino acid position is well conserved in available vertebrate species. In addition, the in silico prediction for this alteration is inconclusive. The evidence for this gene-disease relationship is limited; therefore, the clinical significance of this alteration is unclear.

NM_001365951.3(KIF1B):c.5422C>T (p.Arg1808Cys)

Gene: KIF1B (kinesin family member 1B; plus strand). Cytogenetic location: 1p36.22.
Variant type: single nucleotide variant.
Coding change: c.5422C>T on transcript NM_001365951.3 (MANE Select); coding-DNA position 5422, C replaced by T.
Protein change: p.Arg1808Cys; replaces arginine 1808 with cysteine.
Molecular consequence: missense variant.
Genome position (GRCh38, 1-based): chr1:10,376,558, C>T. VCF-style: chr1-10376558-C-T. GRCh37 (hg19) VCF-style: chr1-10436616-C-T.
Other names: c.5422C>T, p.Arg1808Cys (NM_001365952.1); c.5284C>T, p.Arg1762Cys (NM_015074.3); short protein forms R1762C, R1808C.
Identifiers: ClinVar variation 408311 (VCV000408311.11), dbSNP rs1060501912, ClinGen allele CA16609851.